The following is an entry in ClinVar:

ClinVar aggregate classification (germline): Uncertain significance (1 of 4 stars; one submission).

Conditions:
Progressive myoclonic epilepsy. Also called: Familial progressive myoclonic epilepsy; Myoclonic Epilepsies, Progressive; Myoclonus epilepsy; Progressive myoclonus epilepsy. Identifiers: Orphanet 308, Orphanet 98261, MedGen C0751778, MONDO:0020074.

Allele frequency attached by ClinVar (database versions not stated): gnomAD exomes below 0.00001.
gnomAD v4.1: 1 of 1,535,922 alleles (0.000065%); highest among the groups gnomAD compares: Non-Finnish European, 0.000088%; no homozygotes.

Submission:

Labcorp Genetics (formerly Invitae), Labcorp
Classification: Uncertain significance for Progressive myoclonic epilepsy. Last evaluated: 2019-08-21. Review status: criteria provided, single submitter. Criteria: Invitae Variant Classification Sherloc (09022015). Collection method: clinical testing. Allele origin: germline.
Comment: In summary, the available evidence is currently insufficient to determine the role of this variant in disease. Therefore, it has been classified as a Variant of Uncertain Significance. This sequence change replaces glutamic acid with glycine at codon 92 of the EPM2A protein (p.Glu92Gly). The glutamic acid residue is moderately conserved and there is a moderate physicochemical difference between glutamic acid and glycine. The frequency data for this variant in the population databases is considered unreliable, as metrics indicate insufficient coverage at this position in the ExAC database. This variant has not been reported in the literature in individuals with EPM2A-related conditions. Algorithms developed to predict the effect of missense changes on protein structure and function (SIFT, PolyPhen-2, Align-GVGD) all suggest that this variant is likely to be tolerated, but these predictions have not been confirmed by published functional studies and their clinical significance is uncertain.

NM_005670.4(EPM2A):c.275A>G (p.Glu92Gly)

Genes: EPM2A (EPM2A glucan phosphatase, laforin; minus strand), EPM2A-DT (EPM2A divergent transcript; plus strand), LOC129997381 (ATAC-STARR-seq lymphoblastoid silent region 17642; plus strand). Cytogenetic location: 6q24.3.
Variant type: single nucleotide variant.
Coding change: c.275A>G on transcript NM_005670.4 (MANE Select); coding-DNA position 275, A replaced by G.
Protein change: p.Glu92Gly; replaces glutamic acid 92 with glycine.
Molecular consequence: missense variant. On other transcripts: 5 prime UTR variant (2), intron variant (2).
Genome position (GRCh38, 1-based): chr6:145,735,224, T>C on the plus strand (A>G on the coding strand, the complement: EPM2A is on the minus strand). VCF-style: chr6-145735224-T-C. GRCh37 (hg19) VCF-style: chr6-146056360-T-C.
Other names: c.275A>G, p.Glu92Gly (NM_001018041.2, NM_001360057.2, NM_001368130.1); c.-395A>G (NM_001360071.2); c.-349A>G (NM_001368129.2); c.-114+684A>G (NM_001360064.2); c.-114+21A>G (NM_001368131.1); short protein forms E92G.
Identifiers: ClinVar variation 941639 (VCV000941639.10), dbSNP rs1776788119, ClinGen allele CA366187891.